The following is an entry in ClinVar:

ClinVar aggregate classification (germline): Pathogenic (1 of 4 stars; one submission).

Conditions:
Charcot-Marie-Tooth disease type 2E (CMT2E). Also called: CHARCOT-MARIE-TOOTH DISEASE, AXONAL, TYPE 2E; CHARCOT-MARIE-TOOTH NEUROPATHY, TYPE 2E. Identifiers: Orphanet 99939, MedGen C1843225, MONDO:0011894, OMIM 607684.

Allele frequency attached by ClinVar (database versions not stated): gnomAD exomes below 0.00001.

Submission:

Labcorp Genetics (formerly Invitae), Labcorp
Classification: Pathogenic for Charcot-Marie-Tooth disease type 2E. Last evaluated: 2022-11-15. Review status: criteria provided, single submitter. Criteria: Invitae Variant Classification Sherloc (09022015). Collection method: clinical testing. Allele origin: germline.
Comment: For these reasons, this variant has been classified as Pathogenic. This variant has not been reported in the literature in individuals affected with NEFL-related conditions. This variant is not present in population databases (gnomAD no frequency). This sequence change creates a premature translational stop signal (p.Lys267Glyfs*9) in the NEFL gene. It is expected to result in an absent or disrupted protein product. Loss-of-function variants in NEFL are known to be pathogenic (PMID: 19158810, 20039262).

Literature cited by the submitters: PubMed 19158810; PubMed 20039262.

NM_006158.5(NEFL):c.799_803del (p.Lys267fs)

Gene: NEFL (neurofilament light chain; minus strand). Cytogenetic location: 8p21.2.
Variant type: Deletion.
Coding change: c.799_803del on transcript NM_006158.5 (MANE Select); coding-DNA positions 799 to 803, 5 bases deleted (AAGCT; older notation c.799_803delAAGCT).
Protein change: p.Lys267fs; shifts the reading frame from lysine 267.
Molecular consequence: frameshift variant.
Genome position (GRCh38, 1-based): chr8:24,955,713-24,955,717, AGCTT deleted on the plus strand (AAGCT on the coding strand, the reverse complement: NEFL is on the minus strand). VCF-style (leftmost placement, unchanged base first): chr8-24955712-CAGCTT-C. GRCh37 (hg19) VCF-style: chr8-24813226-CAGCTT-C.
Other names: short protein forms K267fs.
Identifiers: ClinVar variation 1928219 (VCV001928219.5), dbSNP rs2486886254, ClinGen allele CA2580078084.